The following is an entry in ClinVar:

ClinVar aggregate classification (germline): Uncertain significance (1 of 4 stars; one submission).

Conditions:
Neurofibromatosis, type 1 (NF1). Also called: VON RECKLINGHAUSEN DISEASE; NEUROFIBROMATOSIS, TYPE I, SOMATIC; Neurofibromatosis, type I; Peripheral type neurofibromatosis. Identifiers: Orphanet 636, MedGen C0027831, MONDO:0018975, OMIM 162200. Disease mechanism: loss of function.

gnomAD v4.1: 1 of 1,613,810 alleles (0.000062%); highest among the groups gnomAD compares: Non-Finnish European, 0.000085%; no homozygotes.

Submission:

Labcorp Genetics (formerly Invitae), Labcorp
Classification: Uncertain significance for Neurofibromatosis, type 1. Last evaluated: 2024-10-22. Review status: criteria provided, single submitter. Criteria: Invitae Variant Classification Sherloc (09022015). Collection method: clinical testing. Allele origin: germline.
Comment: This sequence change replaces serine, which is neutral and polar, with tryptophan, which is neutral and slightly polar, at codon 436 of the NF1 protein (p.Ser436Trp). This variant is not present in population databases (gnomAD no frequency). This variant has not been reported in the literature in individuals affected with NF1-related conditions. Invitae Evidence Modeling of protein sequence and biophysical properties (such as structural, functional, and spatial information, amino acid conservation, physicochemical variation, residue mobility, and thermodynamic stability) has been performed for this missense variant. However, the output from this modeling did not meet the statistical confidence thresholds required to predict the impact of this variant on NF1 protein function. In summary, the available evidence is currently insufficient to determine the role of this variant in disease. Therefore, it has been classified as a Variant of Uncertain Significance.

NM_001042492.3(NF1):c.1307C>G (p.Ser436Trp)

Gene: NF1 (neurofibromin 1; plus strand). Cytogenetic location: 17q11.2.
Variant type: single nucleotide variant.
Coding change: c.1307C>G on transcript NM_001042492.3 (MANE Select); coding-DNA position 1307, C replaced by G.
Protein change: p.Ser436Trp; replaces serine 436 with tryptophan.
Molecular consequence: missense variant.
Genome position (GRCh38, 1-based): chr17:31,206,286, C>G. VCF-style: chr17-31206286-C-G. GRCh37 (hg19) VCF-style: chr17-29533304-C-G.
Other names: c.1307C>G, p.Ser436Trp (NM_000267.4, NM_001128147.3); short protein forms S436W.
Identifiers: ClinVar variation 3672466 (VCV003672466.2).